The following is an entry in ClinVar:

ClinVar aggregate classification (germline): Uncertain significance (1 of 4 stars; one submission).

Conditions:
Glanzmann thrombasthenia. Also called: BLEEDING DISORDER, PLATELET-TYPE, 2; THROMBASTHENIA OF GLANZMANN AND NAEGELI; PLATELET GLYCOPROTEIN IIb-IIIa DEFICIENCY; Glanzmann's thrombasthenia; Thrombasthenia. Identifiers: Orphanet 849, MedGen C0040015, MONDO:0100326.

Submission:

Labcorp Genetics (formerly Invitae), Labcorp
Classification: Uncertain significance for Glanzmann thrombasthenia. Last evaluated: 2025-07-13. Review status: criteria provided, single submitter. Criteria: Invitae Variant Classification Sherloc (09022015). Collection method: clinical testing. Allele origin: germline.
Comment: This sequence change replaces proline, which is neutral and non-polar, with alanine, which is neutral and non-polar, at codon 342 of the ITGA2B protein (p.Pro342Ala). This variant is not present in population databases (gnomAD no frequency). This variant has not been reported in the literature in individuals affected with ITGA2B-related conditions. Invitae Evidence Modeling of protein sequence and biophysical properties (such as structural, functional, and spatial information, amino acid conservation, physicochemical variation, residue mobility, and thermodynamic stability) indicates that this missense variant is expected to disrupt ITGA2B protein function with a positive predictive value of 95%. In summary, the available evidence is currently insufficient to determine the role of this variant in disease. Therefore, it has been classified as a Variant of Uncertain Significance.

NM_000419.5(ITGA2B):c.1024C>G (p.Pro342Ala)

Gene: ITGA2B (integrin subunit alpha 2b; minus strand). Cytogenetic location: 17q21.31.
Variant type: single nucleotide variant.
Coding change: c.1024C>G on transcript NM_000419.5 (MANE Select); coding-DNA position 1024, C replaced by G.
Protein change: p.Pro342Ala; replaces proline 342 with alanine.
Molecular consequence: missense variant.
Genome position (GRCh38, 1-based): chr17:44,383,679, G>C on the plus strand (C>G on the coding strand, the complement: ITGA2B is on the minus strand). VCF-style: chr17-44383679-G-C. GRCh37 (hg19) VCF-style: chr17-42461047-G-C.
Other names: short protein forms P342A.
Identifiers: ClinVar variation 4747518 (VCV004747518.1).